The following is an entry in ClinVar:

ClinVar aggregate classification (germline): Uncertain significance (1 of 4 stars; one submission).

gnomAD v4.1: 23 of 1,613,196 alleles (0.0014%); highest among the groups gnomAD compares: Non-Finnish European, 0.0019%; no homozygotes.

Submission:

Labcorp Genetics (formerly Invitae), Labcorp
Classification: Uncertain significance. Last evaluated: 2022-02-12. Review status: criteria provided, single submitter. Criteria: Invitae Variant Classification Sherloc (09022015). Collection method: clinical testing. Allele origin: germline.
Comment: In summary, the available evidence is currently insufficient to determine the role of this variant in disease. Therefore, it has been classified as a Variant of Uncertain Significance. Algorithms developed to predict the effect of missense changes on protein structure and function are either unavailable or do not agree on the potential impact of this missense change (SIFT: "Deleterious"; PolyPhen-2: "Possibly Damaging"; Align-GVGD: "Class C0"). This variant has not been reported in the literature in individuals affected with CLCN7-related conditions. This variant is present in population databases (no rsID available, gnomAD 0.003%). This sequence change replaces alanine, which is neutral and non-polar, with valine, which is neutral and non-polar, at codon 202 of the CLCN7 protein (p.Ala202Val).

NM_001287.6(CLCN7):c.605C>T (p.Ala202Val)

Gene: CLCN7 (chloride voltage-gated channel 7; minus strand). Cytogenetic location: 16p13.3.
Variant type: single nucleotide variant.
Coding change: c.605C>T on transcript NM_001287.6 (MANE Select); coding-DNA position 605, C replaced by T.
Protein change: p.Ala202Val; replaces alanine 202 with valine.
Molecular consequence: missense variant.
Genome position (GRCh38, 1-based): chr16:1,459,177, G>A on the plus strand (C>T on the coding strand, the complement: CLCN7 is on the minus strand). VCF-style: chr16-1459177-G-A. GRCh37 (hg19) VCF-style: chr16-1509178-G-A.
Other names: c.533C>T, p.Ala178Val (NM_001114331.3); short protein forms A178V, A202V.
Identifiers: ClinVar variation 1949160 (VCV001949160.5), dbSNP rs1366250568, ClinGen allele CA394192006.